The following is an entry in ClinVar:

NM_006265.3(RAD21):c.1421A>G (p.Gln474Arg)

Gene: RAD21 (RAD21 cohesin complex component; minus strand). Cytogenetic location: 8q24.11.
Variant type: single nucleotide variant.
Coding change: c.1421A>G on transcript NM_006265.3 (MANE Select); coding-DNA position 1421, A replaced by G.
Protein change: p.Gln474Arg; replaces glutamine 474 with arginine.
Molecular consequence: missense variant.
Genome position (GRCh38, 1-based): chr8:116,851,997, T>C on the plus strand (A>G on the coding strand, the complement: RAD21 is on the minus strand). VCF-style: chr8-116851997-T-C. GRCh37 (hg19) VCF-style: chr8-117864236-T-C.
Other names: short protein forms Q474R.
Identifiers: ClinVar variation 3031507 (VCV003031507.2), dbSNP rs2537289962, ClinGen allele CA371997251.

ClinVar aggregate classification (germline): Uncertain significance (0 of 4 stars; one submission).

Conditions:
RAD21-related disorder. Also called: RAD21- Related disorders; RAD21-related condition.

Submission:

PreventionGenetics, part of Exact Sciences
Classification: Uncertain significance for RAD21-related condition. Last evaluated: 2024-01-03. Review status: no assertion criteria provided. Collection method: clinical testing. Allele origin: germline.
Comment: The RAD21 c.1421A>G variant is predicted to result in the amino acid substitution p.Gln474Arg. To our knowledge, this variant has not been reported in the literature or in a large population database, indicating this variant is rare. At this time, the clinical significance of this variant is uncertain due to the absence of conclusive functional and genetic evidence.